The following is an entry in ClinVar:

ClinVar aggregate classification (germline): Pathogenic (1 of 4 stars; one submission).

Conditions:
Inborn genetic diseases. Identifiers: MedGen C0950123, MeSH D030342.

gnomAD v4.1: 1 of 1,614,134 alleles (0.000062%); highest among the groups gnomAD compares: Non-Finnish European, 0.000085%; no homozygotes.

Submission:

Ambry Genetics
Classification: Pathogenic for Inborn genetic diseases. Last evaluated: 2025-12-03. Review status: criteria provided, single submitter. Criteria: Ambry Variant Classification Scheme 2023. Collection method: clinical testing. Allele origin: germline.
Comment: The p.E343* pathogenic mutation (also known as c.1027G>T), located in coding exon 3 of the MBD4 gene, results from a G to T substitution at nucleotide position 1027. This changes the amino acid from a glutamic acid to a stop codon within coding exon 3. This variant is considered to be rare based on population cohorts in the Genome Aggregation Database (gnomAD). This alteration is expected to result in loss of function by premature protein truncation or nonsense-mediated mRNA decay. As such, this alteration is interpreted as a disease-causing mutation.

NM_001276270.2(MBD4):c.1027G>T (p.Glu343Ter)

Gene: MBD4 (methyl-CpG binding domain 4, DNA glycosylase; minus strand). Cytogenetic location: 3q21.3.
Variant type: single nucleotide variant.
Coding change: c.1027G>T on transcript NM_001276270.2 (MANE Select); coding-DNA position 1027, G replaced by T.
Protein change: p.Glu343Ter; replaces glutamic acid 343 with a stop codon.
Molecular consequence: nonsense. On other transcripts: intron variant (1).
Genome position (GRCh38, 1-based): chr3:129,436,617, C>A on the plus strand (G>T on the coding strand, the complement: MBD4 is on the minus strand). VCF-style: chr3-129436617-C-A. GRCh37 (hg19) VCF-style: chr3-129155460-C-A.
Other names: c.1027G>T, p.Glu343Ter (NM_001276271.2, NM_001276272.2, NM_003925.3); c.247+1191G>T (NM_001276273.2); short protein forms E343*.
Identifiers: ClinVar variation 4624424 (VCV004624424.1).